The following is an entry in ClinVar:

NM_001614.5(ACTG1):c.991G>A (p.Ala331Thr)

Gene: ACTG1 (actin gamma 1; minus strand). Cytogenetic location: 17q25.3.
Variant type: single nucleotide variant.
Coding change: c.991G>A on transcript NM_001614.5 (MANE Select); coding-DNA position 991, G replaced by A.
Protein change: p.Ala331Thr; replaces alanine 331 with threonine.
Molecular consequence: missense variant. On other transcripts: non-coding transcript variant (1).
Genome position (GRCh38, 1-based): chr17:81,510,827, C>T on the plus strand (G>A on the coding strand, the complement: ACTG1 is on the minus strand). VCF-style: chr17-81510827-C-T. GRCh37 (hg19) VCF-style: chr17-79477853-C-T.
Other names: c.991G>A, p.Ala331Thr (NM_001199954.3); short protein forms A331T.
Identifiers: ClinVar variation 1314228 (VCV001314228.2), dbSNP rs11549200, ClinGen allele CA401458634.

ClinVar aggregate classification (germline): Uncertain significance (1 of 4 stars; one submission).

Allele frequency attached by ClinVar (database versions not stated): gnomAD 0.00001.
gnomAD v4.1: 1 of 1,613,778 alleles (0.000062%); highest among the groups gnomAD compares: South Asian, 0.0011%; no homozygotes.

Submission:

GeneDx
Classification: Uncertain significance. Last evaluated: 2021-04-07. Review status: criteria provided, single submitter. Criteria: GeneDx Variant Classification Process June 2021. Collection method: clinical testing. Allele origin: germline. Affected: yes.
Comment: Has not been previously published as pathogenic or benign to our knowledge; Not observed in large population cohorts (Lek et al., 2016); Missense variants in this gene are often considered pathogenic (Stenson et al., 2014); In silico analysis supports that this missense variant does not alter protein structure/function